The following is an entry in ClinVar:

ClinVar aggregate classification (germline): Uncertain significance (1 of 4 stars; one submission).

Conditions:
Inborn genetic diseases. Identifiers: MedGen C0950123, MeSH D030342.

Submission:

Ambry Genetics
Classification: Uncertain significance for Inborn genetic diseases. Last evaluated: 2025-08-20. Review status: criteria provided, single submitter. Criteria: Ambry Variant Classification Scheme 2023. Collection method: clinical testing. Allele origin: germline.
Comment: The p.H1290N variant (also known as c.3868C>A), located in coding exon 26 of the ANKRD26 gene, results from a C to A substitution at nucleotide position 3868. The histidine at codon 1290 is replaced by asparagine, an amino acid with similar properties. This amino acid position is conserved. In addition, this alteration is predicted to be tolerated by in silico analysis. Based on the available evidence, the clinical significance of this variant remains unclear.

NM_014915.3(ANKRD26):c.3868C>A (p.His1290Asn)

Gene: ANKRD26 (ankyrin repeat domain containing 26; minus strand). Cytogenetic location: 10p12.1.
Variant type: single nucleotide variant.
Coding change: c.3868C>A on transcript NM_014915.3 (MANE Select); coding-DNA position 3868, C replaced by A.
Protein change: p.His1290Asn; replaces histidine 1290 with asparagine.
Molecular consequence: missense variant.
Genome position (GRCh38, 1-based): chr10:27,029,296, G>T on the plus strand (C>A on the coding strand, the complement: ANKRD26 is on the minus strand). VCF-style: chr10-27029296-G-T. GRCh37 (hg19) VCF-style: chr10-27318225-G-T.
Other names: c.3865C>A, p.His1289Asn (NM_001256053.2); short protein forms H1289N, H1290N.
Identifiers: ClinVar variation 4104358 (VCV004104358.1).